The following is an entry in ClinVar:

NM_002471.4(MYH6):c.3252-14C>G

Gene: MYH6 (myosin heavy chain 6; minus strand). Cytogenetic location: 14q11.2.
Variant type: single nucleotide variant.
Coding change: c.3252-14C>G on transcript NM_002471.4 (MANE Select); 14 bases into the intron before coding-DNA position 3252, C replaced by G.
Molecular consequence: intron variant.
Genome position (GRCh38, 1-based): chr14:23,392,666, G>C on the plus strand (C>G on the coding strand, the complement: MYH6 is on the minus strand). VCF-style: chr14-23392666-G-C. GRCh37 (hg19) VCF-style: chr14-23861875-G-C.
Identifiers: ClinVar variation 4746612 (VCV004746612.1).
Genomic context (GRCh38, chr14:23,392,666, plus strand): 5'-GCTCATCCTCAATCTTACTGTTCTGCTGATTAATGTCAAACTCCTTCCTGCAGGAGAAGG[G>C]TGGGGGTGGGGGAGTGACAGGTAGCCTTCCTTCCTCTGGGGCTCATTCTCTTCTTGGCCT-3'

ClinVar aggregate classification (germline): Uncertain significance (1 of 4 stars; one submission).

Conditions:
Hypertrophic cardiomyopathy 14. Identifiers: MedGen C2750467, MONDO:0013197, OMIM 613251.

gnomAD v4.1: 3 of 1,290,646 alleles (0.00023%); highest among the groups gnomAD compares: African/African-American, 0.0045%; no homozygotes.

Submission:

Labcorp Genetics (formerly Invitae), Labcorp
Classification: Uncertain significance for Hypertrophic cardiomyopathy 14. Last evaluated: 2025-06-22. Review status: criteria provided, single submitter. Criteria: Invitae Variant Classification Sherloc (09022015). Collection method: clinical testing. Allele origin: germline.
Comment: This sequence change falls in intron 24 of the MYH6 gene. It does not directly change the encoded amino acid sequence of the MYH6 protein. This variant is present in population databases (no rsID available, gnomAD 0.007%). This variant has not been reported in the literature in individuals affected with MYH6-related conditions. Algorithms developed to predict the effect of sequence changes on RNA splicing suggest that this variant may disrupt the consensus splice site. In summary, the available evidence is currently insufficient to determine the role of this variant in disease. Therefore, it has been classified as a Variant of Uncertain Significance.